The following is an entry in ClinVar:

ClinVar aggregate classification (germline): Uncertain significance (1 of 4 stars; one submission).

Conditions:
Progressive sclerosing poliodystrophy (MTDPS4A). Also called: Mitochondrial DNA depletion syndrome 4A (Alpers type); ALPERS PROGRESSIVE INFANTILE POLIODYSTROPHY; NEURONAL DEGENERATION OF CHILDHOOD WITH LIVER DISEASE, PROGRESSIVE; Mitochondrial DNA Depletion Syndrome 4A; Alpers-Huttenlocher Syndrome (AHS); Alpers Syndrome. Identifiers: Orphanet 726, MedGen C0205710, MONDO:0008758, OMIM 203700.

gnomAD v4.1: 1 of 1,614,214 alleles (0.000062%); highest among the groups gnomAD compares: Non-Finnish European, 0.000085%; no homozygotes.

Submission:

Labcorp Genetics (formerly Invitae), Labcorp
Classification: Uncertain significance for Progressive sclerosing poliodystrophy. Last evaluated: 2022-12-06. Review status: criteria provided, single submitter. Criteria: Invitae Variant Classification Sherloc (09022015). Collection method: clinical testing. Allele origin: germline.
Comment: ClinVar contains an entry for this variant (Variation ID: 1478962). This missense change has been observed in individual(s) with clinical features of POLG-related conditions (PMID: 20837861, 33396418). This variant is not present in population databases (gnomAD no frequency). This sequence change replaces tyrosine, which is neutral and polar, with cysteine, which is neutral and slightly polar, at codon 452 of the POLG protein (p.Tyr452Cys). In summary, the available evidence is currently insufficient to determine the role of this variant in disease. Therefore, it has been classified as a Variant of Uncertain Significance. Advanced modeling of protein sequence and biophysical properties (such as structural, functional, and spatial information, amino acid conservation, physicochemical variation, residue mobility, and thermodynamic stability) performed at Invitae indicates that this missense variant is expected to disrupt POLG protein function.

Literature cited by the submitters: PubMed 20837861; PubMed 33396418.

NM_002693.3(POLG):c.1355A>G (p.Tyr452Cys)

Gene: POLG (DNA polymerase gamma, catalytic subunit; minus strand). Cytogenetic location: 15q26.1.
Variant type: single nucleotide variant.
Coding change: c.1355A>G on transcript NM_002693.3 (MANE Select); coding-DNA position 1355, A replaced by G.
Protein change: p.Tyr452Cys; replaces tyrosine 452 with cysteine.
Molecular consequence: missense variant.
Genome position (GRCh38, 1-based): chr15:89,327,245, T>C on the plus strand (A>G on the coding strand, the complement: POLG is on the minus strand). VCF-style: chr15-89327245-T-C. GRCh37 (hg19) VCF-style: chr15-89870476-T-C.
Other names: c.1355A>G, p.Tyr452Cys (NM_001126131.2); short protein forms Y452C.
Identifiers: ClinVar variation 1478962 (VCV001478962.8), dbSNP rs2152067095, ClinGen allele CA393762097.
Genomic context (GRCh38, chr15:89,327,245, plus strand): 5'-TGGCAGGCATCATTGGCCAGATCCATCAACGACTTCTTCATCTCCCGCTGGAGCTCCTCA[T>C]AAGTGCCCTGTGCCTCTGCCAGGTAACGCTCCCAGTTCTGGTTGACAGGCAGGTAGGAGA-3'
Protein context (NP_002684.1, residues 442-462): ERYLAEAQGT[Tyr452Cys]EELQREMKKS